The following is an entry in ClinVar:

NM_000307.5(POU3F4):c.385C>T (p.Gln129Ter)

Gene: POU3F4 (POU class 3 homeobox 4; plus strand). Cytogenetic location: Xq21.1.
Variant type: single nucleotide variant.
Coding change: c.385C>T on transcript NM_000307.5 (MANE Select); coding-DNA position 385, C replaced by T.
Protein change: p.Gln129Ter; replaces glutamine 129 with a stop codon.
Molecular consequence: nonsense.
Genome position (GRCh38, 1-based): chrX:83,508,709, C>T. VCF-style: chrX-83508709-C-T. GRCh37 (hg19) VCF-style: chrX-82763717-C-T.
Other names: short protein forms Q129*.
Identifiers: ClinVar variation 620545 (VCV000620545.2), dbSNP rs1569280197, ClinGen allele CA413751419.
Genomic context (GRCh38, chrX:83,508,709, plus strand): 5'-AACCACCCCAACGCCTGGGGGGCCAGCCCGGCACCGAACCCGTCTATCACGTCAAGCGGC[C>T]AACCCCTCAACGTGTACTCGCAGCCTGGCTTCACCGTGAGCGGCATGCTGGAACACGGGG-3'

ClinVar aggregate classification (germline): Likely pathogenic. Review status: criteria provided, multiple submitters, no conflicts (2 of 4 stars). 2 submissions from 2 submitters: Likely pathogenic (2). Last evaluated 2024-10-10.

Conditions:
POU3F4-related disorder. Also called: POU3F4-related condition.

Submissions (2):

Blueprint Genetics
Classification: Likely pathogenic for POU3F4-related disorders. Last evaluated: 2024-10-10. Review status: criteria provided, single submitter. Criteria: ACMG Guidelines, 2015. Collection method: clinical testing. Allele origin: germline. Affected: yes. Observed: 1 variant allele.

GeneDx
Classification: Likely pathogenic. Last evaluated: 2019-01-24. Review status: criteria provided, single submitter. Criteria: GeneDx Variant Classification (06012015). Collection method: clinical testing. Allele origin: germline. Affected: yes.
Comment: The Q129X nonsense variant has not been published as a pathogenic variant, nor has it been reported as a benign variant to our knowledge. The variant is not observed in large population cohorts (Lek et al., 2016). It is predicted to cause loss of normal protein function through protein truncation. We consider this variant to be likely pathogenic.